The following is an entry in ClinVar:

ClinVar aggregate classification (germline): Uncertain significance (1 of 4 stars; one submission).

Conditions:
Adams-Oliver syndrome 5 (AOS5). Identifiers: Orphanet 974, MedGen C4014970, MONDO:0014459, OMIM 616028.

Allele frequency attached by ClinVar (database versions not stated): gnomAD exomes below 0.00001.
gnomAD v4.1: 1 of 1,612,456 alleles (0.000062%); highest among the groups gnomAD compares: Non-Finnish European, 0.000085%; no homozygotes.

Submission:

Labcorp Genetics (formerly Invitae), Labcorp
Classification: Uncertain significance for Adams-Oliver syndrome 5. Last evaluated: 2019-10-16. Review status: criteria provided, single submitter. Criteria: Invitae Variant Classification Sherloc (09022015). Collection method: clinical testing. Allele origin: germline.
Comment: This sequence change replaces glutamine with lysine at codon 1766 of the NOTCH1 protein (p.Gln1766Lys). The glutamine residue is highly conserved and there is a small physicochemical difference between glutamine and lysine. This variant is not present in population databases (ExAC no frequency). In summary, the available evidence is currently insufficient to determine the role of this variant in disease. Therefore, it has been classified as a Variant of Uncertain Significance. Algorithms developed to predict the effect of missense changes on protein structure and function (SIFT, PolyPhen-2, Align-GVGD) all suggest that this variant is likely to be tolerated, but these predictions have not been confirmed by published functional studies and their clinical significance is uncertain. This variant has not been reported in the literature in individuals with NOTCH1-related conditions.

NM_017617.5(NOTCH1):c.5296C>A (p.Gln1766Lys)

Gene: NOTCH1 (notch receptor 1; minus strand). Cytogenetic location: 9q34.3.
Variant type: single nucleotide variant.
Coding change: c.5296C>A on transcript NM_017617.5 (MANE Select); coding-DNA position 5296, C replaced by A.
Protein change: p.Gln1766Lys; replaces glutamine 1766 with lysine.
Molecular consequence: missense variant.
Genome position (GRCh38, 1-based): chr9:136,502,360, G>T on the plus strand (C>A on the coding strand, the complement: NOTCH1 is on the minus strand). VCF-style: chr9-136502360-G-T. GRCh37 (hg19) VCF-style: chr9-139396812-G-T.
Other names: short protein forms Q1766K.
Identifiers: ClinVar variation 967903 (VCV000967903.9), dbSNP rs1843011278, ClinGen allele CA375640679.
Genomic context (GRCh38, chr9:136,502,360, plus strand): 5'-GCTCCCGCCGCTTCTTCTTGCTGGCCTCAGACACTTTGAAGCCCTCAGGGAACCAGAGCT[G>T]GCCATGCTGCCGCCGGCGCTTGCGGGACAGCAGCACCCCGCAGCCCACGAAGAACAGAAG-3'
Protein context (NP_060087.3, residues 1756-1776): LSRKRRRQHG[Gln1766Lys]LWFPEGFKVS